The following is an entry in ClinVar:

NM_004656.4(BAP1):c.1942G>A (p.Ala648Thr)

Gene: BAP1 (BRCA1 associated deubiquitinase 1; minus strand). Cytogenetic location: 3p21.1.
Variant type: single nucleotide variant.
Coding change: c.1942G>A on transcript NM_004656.4 (MANE Select); coding-DNA position 1942, G replaced by A.
Protein change: p.Ala648Thr; replaces alanine 648 with threonine.
Molecular consequence: missense variant.
Genome position (GRCh38, 1-based): chr3:52,402,820, C>T on the plus strand (G>A on the coding strand, the complement: BAP1 is on the minus strand). VCF-style: chr3-52402820-C-T. GRCh37 (hg19) VCF-style: chr3-52436836-C-T.
Other names: short protein forms A648T.
Identifiers: ClinVar variation 1171439 (VCV001171439.5), dbSNP rs1705009460, ClinGen allele CA353096671.
Genomic context (GRCh38, chr3:52,402,820, plus strand): 5'-AACTGGAGAAATCACCCACCTTGAACTTCTTCCTCTTCTCTACCTCCTCCTTGAGGCACG[C>T]CTCATAGTTTGCAATCTCAGCCTCCACACACTTCAGCAGTGCCAGCAGCTCCTGCCAAAA-3'
Protein context (NP_004647.1, residues 638-658): CVEAEIANYE[Ala648Thr]CLKEEVEKRK

ClinVar aggregate classification (germline): Uncertain significance. Review status: criteria provided, multiple submitters, no conflicts (2 of 4 stars). 2 submissions from 2 submitters: Uncertain significance (2). Last evaluated 2024-03-06.

Conditions:
Hereditary cancer-predisposing syndrome. Also called: Tumor predisposition; Hereditary neoplastic syndrome; Hereditary Cancer Syndrome; Neoplastic Syndromes, Hereditary. Identifiers: Orphanet 140162, MedGen C0027672, MeSH D009386, MONDO:0015356.

Submissions (2):

Color Diagnostics, LLC DBA Color Health
Classification: Uncertain significance for Hereditary cancer-predisposing syndrome. Last evaluated: 2024-03-06. Review status: criteria provided, single submitter. Criteria: ACMG Guidelines, 2015. Collection method: clinical testing. Allele origin: germline.
Comment: This missense variant replaces alanine with threonine at codon 648 of the BAP1 protein. Computational prediction suggests that this variant may not impact protein structure and function (internally defined REVEL score threshold <= 0.5, PMID: 27666373). To our knowledge, functional studies have not been reported for this variant. This variant has not been reported in individuals affected with hereditary cancer in the literature. This variant has not been identified in the general population by the Genome Aggregation Database (gnomAD). The available evidence is insufficient to determine the role of this variant in disease conclusively. Therefore, this variant is classified as a Variant of Uncertain Significance.

Ambry Genetics
Classification: Uncertain significance for Hereditary cancer-predisposing syndrome. Last evaluated: 2022-10-22. Review status: criteria provided, single submitter. Criteria: Ambry Variant Classification Scheme 2023. Collection method: clinical testing. Allele origin: germline.
Comment: The p.A648T variant (also known as c.1942G>A), located in coding exon 15 of the BAP1 gene, results from a G to A substitution at nucleotide position 1942. The alanine at codon 648 is replaced by threonine, an amino acid with similar properties. This amino acid position is conserved. In addition, this alteration is predicted to be tolerated by in silico analysis. Since supporting evidence is limited at this time, the clinical significance of this alteration remains unclear.